The following is an entry in ClinVar:

NM_000719.7(CACNA1C):c.6043T>A (p.Ser2015Thr)

Genes: CACNA1C (calcium voltage-gated channel subunit alpha1 C; plus strand), CACNA1C-AS1 (CACNA1C antisense RNA 1; minus strand). Cytogenetic location: 12p13.33.
Variant type: single nucleotide variant.
Coding change: c.6043T>A on transcript NM_000719.7 (MANE Select); coding-DNA position 6043, T replaced by A.
Protein change: p.Ser2015Thr; replaces serine 2015 with threonine.
Molecular consequence: missense variant.
Genome position (GRCh38, 1-based): chr12:2,688,705, T>A. VCF-style: chr12-2688705-T-A. GRCh37 (hg19) VCF-style: chr12-2797871-T-A.
Other names: c.6187T>A, p.Ser2063Thr (NM_001129827.2); c.6166T>A, p.Ser2056Thr (NM_001129829.2); c.6148T>A, p.Ser2050Thr (NM_001129830.3, NM_001167624.3); c.6127T>A, p.Ser2043Thr (NM_001129831.2); c.6103T>A, p.Ser2035Thr (NM_001129832.2); c.6100T>A, p.Ser2034Thr (NM_001129833.2, NM_001129834.2, NM_001129835.2); c.6094T>A, p.Ser2032Thr (NM_001129836.2); c.6067T>A, p.Ser2023Thr (NM_001129837.2, NM_001129838.2); and 6 more; short protein forms S2004T, S2012T, S2015T, S2021T, S2023T, S2032T, S2034T, S2035T.
Identifiers: ClinVar variation 4801135 (VCV004801135.1).

ClinVar aggregate classification (germline): Uncertain significance (1 of 4 stars; one submission).

Conditions:
Long QT syndrome (LQTS). Identifiers: MedGen C0023976, MeSH D008133, MONDO:0002442. Disease mechanism: loss of function. Inheritance: Various modes of inheritance.

Submission:

Labcorp Genetics (formerly Invitae), Labcorp
Classification: Uncertain significance for Long QT syndrome. Last evaluated: 2025-03-14. Review status: criteria provided, single submitter. Criteria: Invitae Variant Classification Sherloc (09022015). Collection method: clinical testing. Allele origin: germline.
Comment: This sequence change replaces serine, which is neutral and polar, with threonine, which is neutral and polar, at codon 2015 of the CACNA1C protein (p.Ser2015Thr). This variant is not present in population databases (gnomAD no frequency). This variant has not been reported in the literature in individuals affected with CACNA1C-related conditions. Invitae Evidence Modeling of protein sequence and biophysical properties (such as structural, functional, and spatial information, amino acid conservation, physicochemical variation, residue mobility, and thermodynamic stability) indicates that this missense variant is not expected to disrupt CACNA1C protein function with a negative predictive value of 95%. In summary, the available evidence is currently insufficient to determine the role of this variant in disease. Therefore, it has been classified as a Variant of Uncertain Significance.